The following is an entry in ClinVar:

NM_018006.5(TRMU):c.803del (p.Ala268fs)

Gene: TRMU (tRNA mitochondrial 2-thiouridylase; plus strand). Cytogenetic location: 22q13.31.
Variant type: Deletion.
Coding change: c.803del on transcript NM_018006.5 (MANE Select); coding-DNA position 803, one base deleted (C; older notation c.803delC).
Protein change: p.Ala268fs; shifts the reading frame from alanine 268.
Molecular consequence: frameshift variant. On other transcripts: non-coding transcript variant (2).
Genome position (GRCh38, 1-based): chr22:46,353,797, C deleted. VCF-style (leftmost placement, unchanged base first): chr22-46353796-GC-G. GRCh37 (hg19) VCF-style: chr22-46749693-GC-G.
Other names: c.803delC (NM_018006.4); c.461del, p.Ala154fs (NM_001282782.2); c.383del, p.Ala128fs (NM_001282783.2, NM_001282784.2); c.803del, p.Ala268fs (NM_001282785.2); short protein forms A128fs, A154fs, A268fs.
Identifiers: ClinVar variation 1071658 (VCV001071658.13), dbSNP rs745338284, ClinGen allele CA10292250.

ClinVar aggregate classification (germline): Pathogenic/Likely pathogenic. Review status: criteria provided, multiple submitters, no conflicts (2 of 4 stars). 5 submissions from 5 submitters: Pathogenic (2); Likely pathogenic (3). Last evaluated 2026-04-09.

Conditions:
Aminoglycoside-induced deafness. Also called: MT-RNR1-Related Hearing Loss and Deafness; DEAFNESS, STREPTOMYCIN-INDUCED; STREPTOMYCIN OTOTOXICITY. Identifiers: Orphanet 168609, MedGen C1838854, MONDO:0010799, OMIM 580000.
Acute infantile liver failure due to synthesis defect of mtDNA-encoded proteins. Also called: Liver failure acute infantile; LIVER FAILURE, INFANTILE, TRANSIENT; TRMU Deficiency. Identifiers: Orphanet 217371, MedGen C3278664, MONDO:0013111, OMIM 613070.
TRMU-related disorder. Also called: TRMU-related condition.

Allele frequency attached by ClinVar (database versions not stated): gnomAD 0.00001; gnomAD exomes 0.00001 and 0.00002; TOPMed 0.00002; ExAC 0.00002.

Submissions (5):

PreventionGenetics, part of Exact Sciences
Classification: Likely pathogenic for TRMU-related condition. Last evaluated: 2026-04-09. Review status: criteria provided, single submitter. Criteria: ACMG Guidelines, 2015. Collection method: clinical testing. Allele origin: germline.
Comment: The TRMU c.803delC variant is predicted to result in a frameshift and premature protein termination (p.Ala268Glufs*3). To our knowledge, this variant has not been reported in the literature. This variant is reported in 0.0062% of alleles in individuals of African descent in gnomAD. Frameshift variants in TRMU are expected to be pathogenic. This variant is interpreted as likely pathogenic.

Natera, Inc.
Classification: Likely pathogenic for Acute infantile liver failure due to synthesis defect of mtDNA-encoded proteins. Last evaluated: 2025-12-10. Review status: criteria provided, single submitter. Criteria: Natera Variant Classification Schema (03/2026). Collection method: clinical testing. Allele origin: germline.
Comment: The c.803delC variant in TRMU is a frameshift variant predicted to shift the reading frame beginning at codon 268 and leads to a stop codon 3 codons downstream. This variant is expected to result in nonsense mediated decay, truncation, or a dysfunctional protein product. This variant is rare in the general population with a frequency below the threshold expected for the associated phenotype(s). Given the available evidence, this variant is classified as Likely Pathogenic.

Labcorp Genetics (formerly Invitae), Labcorp
Classification: Pathogenic. Last evaluated: 2024-08-21. Review status: criteria provided, single submitter. Criteria: Invitae Variant Classification Sherloc (09022015). Collection method: clinical testing. Allele origin: germline.
Comment: This sequence change creates a premature translational stop signal (p.Ala268Glufs*3) in the TRMU gene. It is expected to result in an absent or disrupted protein product. Loss-of-function variants in TRMU are known to be pathogenic (PMID: 19732863, 23625533). This variant is present in population databases (rs745338284, gnomAD 0.007%). This variant has not been reported in the literature in individuals affected with TRMU-related conditions. ClinVar contains an entry for this variant (Variation ID: 1071658). For these reasons, this variant has been classified as Pathogenic.

Fulgent Genetics
Classification: Pathogenic for Aminoglycoside-induced deafness; Acute infantile liver failure due to synthesis defect of mtDNA-encoded proteins. Last evaluated: 2024-06-18. Review status: criteria provided, single submitter. Criteria: ACMG Guidelines, 2015. Collection method: clinical testing. Allele origin: germline.

Baylor Genetics
Classification: Likely pathogenic for Aminoglycoside-induced deafness. Last evaluated: 2023-11-30. Review status: criteria provided, single submitter. Criteria: ACMG Guidelines, 2015. Collection method: clinical testing. Allele origin: unknown.

Literature cited by the submitters: PubMed 19732863 (cited by Labcorp Genetics (formerly Invitae), Labcorp); PubMed 23625533 (cited by Labcorp Genetics (formerly Invitae), Labcorp).